The following is an entry in ClinVar:

NC_000009.12:g.35658018_35658029dup

Gene: RMRP (RNA component of mitochondrial RNA processing endoribonuclease; minus strand). Cytogenetic location: 9p13.3.
Variant type: Duplication.
Genome position: GRCh38 VCF-style: chr9-35658016-A-ACCACGTCCTCAG. GRCh37 (hg19) VCF-style: chr9-35658013-A-ACCACGTCCTCAG.
Identifiers: ClinVar variation 2862451 (VCV002862451.3), dbSNP rs2490602876, ClinGen allele CA2739269235.

ClinVar aggregate classification (germline): Pathogenic (1 of 4 stars; one submission).

Conditions:
Anauxetic dysplasia. Identifiers: Orphanet 93347, MedGen C1846796, MONDO:0011773.

Submission:

Labcorp Genetics (formerly Invitae), Labcorp
Classification: Pathogenic for Anauxetic dysplasia. Last evaluated: 2023-05-07. Review status: criteria provided, single submitter. Criteria: Invitae Variant Classification Sherloc (09022015). Collection method: clinical testing. Allele origin: germline.
Comment: This variant occurs in the RMRP gene, which encodes an RNA molecule that does not result in a protein product. This variant is not present in population databases (gnomAD no frequency). While this particular variant has not been reported in the literature, it is located in the promoter region between the TATA box and the transcription initiation site, and other insertions and duplications immediately upstream of the coding sequence have been reported in individuals affected with cartilage-hair hypoplasia-anauxetic dysplasia (CHH-AD) spectrum disorders (PMID: 16244706, 11207361, 12107819). While functional studies for this variant have not been reported, experimental analyses using patient derived cells, as well as in vitro transfection studies, have shown that promoter insertions result in silencing of RMRP transcription and reduced expression of the gene product (PMID: 11207361, 16254002). For these reasons, this variant has been classified as Pathogenic.

Literature cited by the submitters: PubMed 16244706; PubMed 11207361; PubMed 12107819; PubMed 16254002.